The following is an entry in ClinVar:

ClinVar aggregate classification (germline): Uncertain significance (1 of 4 stars; one submission).

Submission:

Labcorp Genetics (formerly Invitae), Labcorp
Classification: Uncertain significance. Last evaluated: 2021-11-30. Review status: criteria provided, single submitter. Criteria: Invitae Variant Classification Sherloc (09022015). Collection method: clinical testing. Allele origin: germline.
Comment: This variant is not present in population databases (gnomAD no frequency). This variant has not been reported in the literature in individuals affected with GRM6-related conditions. Advanced modeling of protein sequence and biophysical properties (such as structural, functional, and spatial information, amino acid conservation, physicochemical variation, residue mobility, and thermodynamic stability) performed at Invitae indicates that this missense variant is not expected to disrupt GRM6 protein function. In summary, the available evidence is currently insufficient to determine the role of this variant in disease. Therefore, it has been classified as a Variant of Uncertain Significance. This sequence change replaces proline, which is neutral and non-polar, with leucine, which is neutral and non-polar, at codon 690 of the GRM6 protein (p.Pro690Leu).

NM_000843.4(GRM6):c.2069C>T (p.Pro690Leu)

Genes: GRM6 (glutamate metabotropic receptor 6; minus strand), ZNF454 (zinc finger protein 454; plus strand). Cytogenetic location: 5q35.3.
Variant type: single nucleotide variant.
Coding change: c.2069C>T on transcript NM_000843.4 (MANE Select); coding-DNA position 2069, C replaced by T.
Protein change: p.Pro690Leu; replaces proline 690 with leucine.
Molecular consequence: missense variant.
Genome position (GRCh38, 1-based): chr5:178,986,185, G>A on the plus strand (C>T on the coding strand, the complement: GRM6 is on the minus strand). VCF-style: chr5-178986185-G-A. GRCh37 (hg19) VCF-style: chr5-178413186-G-A.
Other names: short protein forms P690L.
Identifiers: ClinVar variation 1491758 (VCV001491758.6), dbSNP rs2113327013, ClinGen allele CA362425491.